The following is an entry in ClinVar:

NM_000179.3(MSH6):c.3776_3777insAACA (p.Asn1259fs)

Gene: MSH6 (mutS homolog 6; plus strand). Cytogenetic location: 2p16.3.
Variant type: Insertion.
Coding change: c.3776_3777insAACA on transcript NM_000179.3 (MANE Select); coding-DNA positions 3776 to 3777, AACA inserted.
Protein change: p.Asn1259fs; shifts the reading frame from asparagine 1259.
Molecular consequence: frameshift variant.
Genome position: GRCh38 VCF-style: chr2-47806332-A-AAAAC. GRCh37 (hg19) VCF-style: chr2-48033471-A-AAAAC.
Other names: c.3386_3387insAACA, p.Asn1129fs (NM_001281492.2); c.2870_2871insAACA, p.Asn957fs (NM_001281493.2, NM_001281494.2); c.3872_3873insAACA, p.Asn1291Lysfs (NM_001406795.1, NM_001406802.1); c.3776_3777insAACA, p.Asn1259Lysfs (NM_001406796.1, NM_001406800.1, NM_001406808.1 and 1 more transcripts); c.3479_3480insAACA, p.Asn1160Lysfs (NM_001406797.1, NM_001406801.1, NM_001406805.1 and 10 more transcripts); c.3602_3603insAACA, p.Asn1201Lysfs (NM_001406798.1); c.3251_3252insAACA, p.Asn1084Lysfs (NM_001406799.1, NM_001406806.1, NM_001406807.1); c.2912_2913insAACA, p.Asn971Lysfs (NM_001406803.1); and 8 more; short protein forms N1129fs, N1259fs, N957fs.
Identifiers: ClinVar variation 1879468 (VCV001879468.36), dbSNP rs2530847916, ClinGen allele CA2580067328.

ClinVar aggregate classification (germline): Pathogenic. Review status: criteria provided, multiple submitters, no conflicts (2 of 4 stars). 5 submissions from 5 submitters: Pathogenic (5). Last evaluated 2026-02-11.

Conditions:
Hereditary nonpolyposis colorectal neoplasms. Identifiers: MedGen C0009405, MeSH D003123.
Lynch syndrome 5 (LYNCH5). Also called: Colorectal cancer, hereditary nonpolyposis, type 5; Hereditary non-polyposis colorectal cancer, type 5. Identifiers: Orphanet 144, MedGen C1833477, MONDO:0013710, OMIM 614350. Disease mechanism: loss of function.
Papillary carcinoma of the corpus uteri. Identifiers: Orphanet 213726, MedGen C5679804, MONDO:0016268.

Submissions (5):

St. Jude Molecular Pathology, St. Jude Children's Research Hospital
Classification: Pathogenic for Lynch syndrome 5. Last evaluated: 2026-02-11. Review status: criteria provided, single submitter. Criteria: St. Jude Assertion Criteria 2020. Collection method: clinical testing. Allele origin: germline.
Comment: The MSH6 c.3776_3777insAACA p.(Asn1259LysfsTer17) change inserts four nucleotides to cause a frameshift and the creation of a premature stop codon. This change is predicted to cause protein truncation or absence of protein due to nonsense-mediated decay. To our knowledge, this variant has not been reported in the literature in individuals with Lynch syndrome or constitutional mismatch repair deficiency. This variant is also absent in gnomAD v2.1.1. In summary, this variant meets criteria to be classified as pathogenic.

Labcorp Genetics (formerly Invitae), Labcorp
Classification: Pathogenic for Hereditary nonpolyposis colorectal neoplasms. Last evaluated: 2025-10-08. Review status: criteria provided, single submitter. Criteria: Invitae Variant Classification Sherloc (09022015). Collection method: clinical testing. Allele origin: germline.
Comment: This sequence change creates a premature translational stop signal (p.Asn1259Lysfs*17) in the MSH6 gene. It is expected to result in an absent or disrupted protein product. Loss-of-function variants in MSH6 are known to be pathogenic (PMID: 18269114, 24362816). This variant is not present in population databases (gnomAD no frequency). This variant has not been reported in the literature in individuals affected with MSH6-related conditions. ClinVar contains an entry for this variant (Variation ID: 1879468). For these reasons, this variant has been classified as Pathogenic.

Institute of Medical Genetics and Applied Genomics, University Hospital Tübingen
Classification: Pathogenic for Papillary carcinoma of the corpus uteri. Last evaluated: 2025-03-06. Review status: criteria provided, single submitter. Criteria: ACMG Guidelines, 2015. Collection method: clinical testing. Allele origin: germline. Inheritance: Autosomal dominant inheritance. Affected: yes.

Molecular Pathology, Peter Maccallum Cancer Centre
Classification: Pathogenic for Lynch syndrome 5. Last evaluated: 2024-06-17. Review status: criteria provided, single submitter. Criteria: ACMG Guidelines, 2015. Collection method: clinical testing. Allele origin: germline. Inheritance: Autosomal dominant inheritance.

CeGaT Center for Human Genetics Tuebingen
Classification: Pathogenic. Last evaluated: 2022-12-01. Review status: criteria provided, single submitter. Criteria: CeGaT Center For Human Genetics Tuebingen Variant Classification Criteria Version 2. Collection method: clinical testing. Allele origin: germline. Affected: yes. Observed: 1 variant allele.
Comment: MSH6: PVS1, PM2

Literature cited by the submitters: PubMed 18269114 (cited by Labcorp Genetics (formerly Invitae), Labcorp); PubMed 24362816 (cited by Labcorp Genetics (formerly Invitae), Labcorp).